The following is an entry in ClinVar:

NM_014049.5(ACAD9):c.346+331C>A

Gene: ACAD9 (acyl-CoA dehydrogenase family member 9; plus strand). Cytogenetic location: 3q21.3.
Variant type: single nucleotide variant.
Coding change: c.346+331C>A on transcript NM_014049.5 (MANE Select); 331 bases into the intron after coding-DNA position 346, C replaced by A.
Molecular consequence: intron variant.
Genome position (GRCh38, 1-based): chr3:128,893,987, C>A. VCF-style: chr3-128893987-C-A. GRCh37 (hg19) VCF-style: chr3-128612830-C-A.
Identifiers: ClinVar variation 682734 (VCV000682734.1), dbSNP rs1680781, ClinGen allele CA11420189.
Genomic context (GRCh38, chr3:128,893,987, plus strand): 5'-GGGTCCTTTGTCCTATGGACTGTCCCTGTAATTCTTTGAGCATCCTAGTGATGTTTTTAG[C>A]CCCCAAGTGGCGGTTCTGCCTTATTAGAGTTGGCCAGTCACTACAACTTGCCTCCCTTAC-3'

ClinVar aggregate classification (germline): Benign (1 of 4 stars; one submission).

Allele frequency attached by ClinVar (database versions not stated): gnomAD 0.39832 and 0.40178; TOPMed 0.42584; 1000 Genomes Project 0.46206; 1000 Genomes Project 30x 0.46408.
gnomAD v4.1: 60,322 of 151,876 alleles (40%); highest among the groups gnomAD compares: African/African-American, 62%; 13,794 homozygotes.

Submission:

GeneDx
Classification: Benign. Last evaluated: 2018-06-14. Review status: criteria provided, single submitter. Criteria: GeneDx Variant Classification (06012015). Collection method: clinical testing. Allele origin: germline. Affected: yes.
Comment: This variant is considered likely benign or benign based on one or more of the following criteria: it is a conservative change, it occurs at a poorly conserved position in the protein, it is predicted to be benign by multiple in silico algorithms, and/or has population frequency not consistent with disease.